The following is an entry in ClinVar:

ClinVar aggregate classification (germline): Uncertain significance (1 of 4 stars; one submission).

Conditions:
Dilated cardiomyopathy 1O (CMD1O). Also called: CARDIOMYOPATHY, DILATED, WITH VENTRICULAR TACHYCARDIA. Identifiers: Orphanet 154, MedGen C1837839, MONDO:0012062, OMIM 608569.

gnomAD v4.1: 5 of 1,614,002 alleles (0.00031%); highest among the groups gnomAD compares: East Asian, 0.0067%; no homozygotes.

Submission:

Labcorp Genetics (formerly Invitae), Labcorp
Classification: Uncertain significance for Dilated cardiomyopathy 1O. Last evaluated: 2024-02-14. Review status: criteria provided, single submitter. Criteria: Invitae Variant Classification Sherloc (09022015). Collection method: clinical testing. Allele origin: germline.
Comment: This sequence change replaces histidine, which is basic and polar, with glutamine, which is neutral and polar, at codon 1536 of the ABCC9 protein (p.His1536Gln). This variant is present in population databases (no rsID available, gnomAD 0.006%). This variant has not been reported in the literature in individuals affected with ABCC9-related conditions. Advanced modeling of protein sequence and biophysical properties (such as structural, functional, and spatial information, amino acid conservation, physicochemical variation, residue mobility, and thermodynamic stability) performed at Invitae indicates that this missense variant is not expected to disrupt ABCC9 protein function with a negative predictive value of 95%. In summary, the available evidence is currently insufficient to determine the role of this variant in disease. Therefore, it has been classified as a Variant of Uncertain Significance.

NM_020297.4(ABCC9):c.4512+782C>A

Genes: ABCC9 (ATP binding cassette subfamily C member 9; minus strand), KCNJ8-AS1 (KCNJ8 antisense RNA 1; plus strand). Cytogenetic location: 12p12.1.
Variant type: single nucleotide variant.
Coding change: c.4512+782C>A on transcript NM_020297.4 (MANE Select); 782 bases into the intron after coding-DNA position 4512, C replaced by A.
Molecular consequence: intron variant. On other transcripts: missense variant (1).
Genome position (GRCh38, 1-based): chr12:21,805,216, G>T on the plus strand (C>A on the coding strand, the complement: ABCC9 is on the minus strand). VCF-style: chr12-21805216-G-T. GRCh37 (hg19) VCF-style: chr12-21958150-G-T.
Other names: c.4608C>A, p.His1536Gln (NM_005691.4); c.3645+782C>A (NM_001377274.1); c.4512+782C>A (NM_001377273.1); short protein forms H1536Q.
Identifiers: ClinVar variation 3625086 (VCV003625086.2).